The following is an entry in ClinVar:

ClinVar aggregate classification (germline): Uncertain significance. Review status: criteria provided, multiple submitters, no conflicts (2 of 4 stars). 2 submissions from 2 submitters: Uncertain significance (2). Last evaluated 2025-10-20.

Allele frequency attached by ClinVar (database versions not stated): gnomAD exomes 0.00004; TOPMed 0.00005; gnomAD 0.00006; ESP Exome Variant Server 0.00008; ExAC 0.00015; 1000 Genomes Project 0.00020; 1000 Genomes Project 30x 0.00031.
gnomAD v4.1: 66 of 1,613,030 alleles (0.0041%); highest among the groups gnomAD compares: South Asian, 0.05%; no homozygotes.

Submissions (2):

Labcorp Genetics (formerly Invitae), Labcorp
Classification: Uncertain significance. Last evaluated: 2025-10-20. Review status: criteria provided, single submitter. Criteria: Invitae Variant Classification Sherloc (09022015). Collection method: clinical testing. Allele origin: germline.
Comment: This sequence change replaces aspartic acid, which is acidic and polar, with asparagine, which is neutral and polar, at codon 343 of the DSCAML1 protein (p.Asp343Asn). This variant is present in population databases (rs368699326, gnomAD 0.06%), and has an allele count higher than expected for a pathogenic variant. This variant has not been reported in the literature in individuals affected with DSCAML1-related conditions. ClinVar contains an entry for this variant (Variation ID: 1907727). An algorithm developed to predict the effect of missense changes on protein structure and function (PolyPhen-2) suggests that this variant is likely to be tolerated. In summary, the available evidence is currently insufficient to determine the role of this variant in disease. Therefore, it has been classified as a Variant of Uncertain Significance.

Ambry Genetics
Classification: Uncertain significance. Last evaluated: 2024-08-10. Review status: criteria provided, single submitter. Criteria: Ambry Variant Classification Scheme 2023. Collection method: clinical testing. Allele origin: germline.

NM_020693.4(DSCAML1):c.847G>A (p.Asp283Asn)

Gene: DSCAML1 (DS cell adhesion molecule like 1; minus strand). Cytogenetic location: 11q23.3.
Variant type: single nucleotide variant.
Coding change: c.847G>A on transcript NM_020693.4 (MANE Select); coding-DNA position 847, G replaced by A.
Protein change: p.Asp283Asn; replaces aspartic acid 283 with asparagine.
Molecular consequence: missense variant.
Genome position (GRCh38, 1-based): chr11:117,524,895, C>T on the plus strand (G>A on the coding strand, the complement: DSCAML1 is on the minus strand). VCF-style: chr11-117524895-C-T. GRCh37 (hg19) VCF-style: chr11-117395610-C-T.
Other names: c.847G>A, p.Asp283Asn (NM_001367904.1); c.439G>A, p.Asp147Asn (NM_001367905.1); c.1027G>A (NM_020693.2); short protein forms D283N, D147N.
Identifiers: ClinVar variation 1907727 (VCV001907727.6), dbSNP rs368699326, ClinGen allele CA6297436.
Genomic context (GRCh38, chr11:117,524,895, plus strand): 5'-CCGAACCGAAGGTGTTGGTGACCTCACAAATGTAGGTGCCGCTGTCCTCGGTCCGCAAGT[C>T]GCTGATGGTCAGCCCTGTGATGCGCTTGGTCCAGCGGCTGTCAGCCGGGAGGGGCCGGCC-3'
Protein context (NP_065744.3, residues 273-293): TKRITGLTIS[Asp283Asn]LRTEDSGTYI